The following is an entry in ClinVar:

ClinVar aggregate classification (germline): Uncertain significance. Review status: criteria provided, multiple submitters, no conflicts (2 of 4 stars). 2 submissions from 2 submitters: Uncertain significance (2). Last evaluated 2024-08-01.

Conditions:
Aspartylglucosaminuria (AGU). Also called: Aspartylglucos-aminuria; Aspartylglucos-amidase (AGA) deficiency; AGA DEFICIENCY; GLYCOASPARAGINASE; GLYCOSYLASPARAGINASE DEFICIENCY. Identifiers: Orphanet 93, MedGen C0268225, MONDO:0008830, OMIM 208400, HP:0012068.

Allele frequency attached by ClinVar (database versions not stated): ExAC 0.00001; gnomAD exomes 0.00001.
gnomAD v4.1: 4 of 1,614,158 alleles (0.00025%); highest among the groups gnomAD compares: South Asian, 0.0011%; no homozygotes.

Submissions (2):

GeneDx
Classification: Uncertain significance. Last evaluated: 2024-08-01. Review status: criteria provided, single submitter. Criteria: GeneDx Variant Classification Process June 2021. Collection method: clinical testing. Allele origin: germline. Affected: yes.
Comment: Not observed at significant frequency in large population cohorts (gnomAD); In silico analysis supports that this missense variant has a deleterious effect on protein structure/function; Has not been previously published as pathogenic or benign to our knowledge

Labcorp Genetics (formerly Invitae), Labcorp
Classification: Uncertain significance for Aspartylglucosaminuria. Last evaluated: 2021-08-26. Review status: criteria provided, single submitter. Criteria: Invitae Variant Classification Sherloc (09022015). Collection method: clinical testing. Allele origin: germline.
Comment: This sequence change replaces isoleucine with threonine at codon 262 of the AGA protein (p.Ile262Thr). The isoleucine residue is weakly conserved and there is a moderate physicochemical difference between isoleucine and threonine. This variant is present in population databases (rs772697272, ExAC 0.006%). This variant has not been reported in the literature in individuals with AGA-related conditions. Algorithms developed to predict the effect of missense changes on protein structure and function output the following: SIFT: "Tolerated"; PolyPhen-2: "Benign"; Align-GVGD: "Class C0". The threonine amino acid residue is found in multiple mammalian species, suggesting that this missense change does not adversely affect protein function. These predictions have not been confirmed by published functional studies and their clinical significance is uncertain. In summary, the available evidence is currently insufficient to determine the role of this variant in disease. Therefore, it has been classified as a Variant of Uncertain Significance.

NM_000027.4(AGA):c.785T>C (p.Ile262Thr)

Gene: AGA (aspartylglucosaminidase; minus strand). Cytogenetic location: 4q34.3.
Variant type: single nucleotide variant.
Coding change: c.785T>C on transcript NM_000027.4 (MANE Select); coding-DNA position 785, T replaced by C.
Protein change: p.Ile262Thr; replaces isoleucine 262 with threonine.
Molecular consequence: missense variant. On other transcripts: non-coding transcript variant (1).
Genome position (GRCh38, 1-based): chr4:177,434,403, A>G on the plus strand (T>C on the coding strand, the complement: AGA is on the minus strand). VCF-style: chr4-177434403-A-G. GRCh37 (hg19) VCF-style: chr4-178355557-A-G.
Other names: c.755T>C, p.Ile252Thr (NM_001171988.2); short protein forms I252T, I262T.
Identifiers: ClinVar variation 1312826 (VCV001312826.9), dbSNP rs772697272, ClinGen allele CA3146808.